The following is an entry in ClinVar:

NM_032043.3(BRIP1):c.1404G>A (p.Trp468Ter)

Gene: BRIP1 (BRCA1 interacting DNA helicase 1; minus strand). Cytogenetic location: 17q23.2.
Variant type: single nucleotide variant.
Coding change: c.1404G>A on transcript NM_032043.3 (MANE Select); coding-DNA position 1404, G replaced by A.
Protein change: p.Trp468Ter; replaces tryptophan 468 with a stop codon.
Molecular consequence: nonsense.
Genome position (GRCh38, 1-based): chr17:61,793,666, C>T on the plus strand (G>A on the coding strand, the complement: BRIP1 is on the minus strand). VCF-style: chr17-61793666-C-T. GRCh37 (hg19) VCF-style: chr17-59871027-C-T.
Other names: short protein forms W468*.
Identifiers: ClinVar variation 2948202 (VCV002948202.3), dbSNP rs2145242241, ClinGen allele CA400482184.

ClinVar aggregate classification (germline): Pathogenic (1 of 4 stars; one submission).

Conditions:
Fanconi anemia complementation group J. Also called: BRIP1-Related Fanconi Anemia. Identifiers: Orphanet 84, MedGen C1836860, MONDO:0012187, OMIM 609054.
Familial cancer of breast. Also called: BREAST CANCER, FAMILIAL; Hereditary breast cancer; hereditary breast carcinoma. Identifiers: Orphanet 227535, MedGen C0346153, MONDO:0016419, OMIM 114480. Disease mechanism: loss of function.

Submission:

Labcorp Genetics (formerly Invitae), Labcorp
Classification: Pathogenic for Familial cancer of breast; Fanconi anemia complementation group J. Last evaluated: 2023-05-25. Review status: criteria provided, single submitter. Criteria: Invitae Variant Classification Sherloc (09022015). Collection method: clinical testing. Allele origin: germline.
Comment: For these reasons, this variant has been classified as Pathogenic. This variant has not been reported in the literature in individuals affected with BRIP1-related conditions. This variant is not present in population databases (gnomAD no frequency). This sequence change creates a premature translational stop signal (p.Trp468*) in the BRIP1 gene. It is expected to result in an absent or disrupted protein product. Loss-of-function variants in BRIP1 are known to be pathogenic (PMID: 16116423, 17033622, 21964575).

Literature cited by the submitters: PubMed 16116423; PubMed 17033622; PubMed 21964575.